The following is an entry in ClinVar:

ClinVar aggregate classification (germline): Benign/Likely benign. Review status: criteria provided, multiple submitters, no conflicts (2 of 4 stars). 12 submissions from 12 submitters: Benign (10); Likely benign (1). 1 of the submissions does not count toward it. Last evaluated 2026-02-04.

Conditions:
Atypical hemolytic-uremic syndrome. Identifiers: Orphanet 2134, MedGen C2931788, MONDO:0016244.
Alport syndrome. Also called: Hemorrhagic familial nephritis; Hemorrhagic hereditary nephritis; Congenital hereditary hematuria. Identifiers: Orphanet 63, MedGen C1567741, MONDO:0018965.

Allele frequency attached by ClinVar (database versions not stated): 1000 Genomes Project 0.02057; 1000 Genomes Project 30x 0.02124; gnomAD exomes 0.02721; ExAC 0.02820; gnomAD 0.03086 and 0.03182; TOPMed 0.03154; ESP Exome Variant Server 0.03470.
gnomAD v4.1: 51,297 of 1,613,770 alleles (3.2%); highest among the groups gnomAD compares: Middle Eastern, 8.2%; 899 homozygotes.

Submissions (12):

Labcorp Genetics (formerly Invitae), Labcorp
Classification: Benign. Last evaluated: 2026-02-04. Review status: criteria provided, single submitter. Criteria: Invitae Variant Classification Sherloc (09022015). Collection method: clinical testing. Allele origin: germline.

Blueprint Genetics
Classification: Likely benign. Last evaluated: 2024-11-26. Review status: criteria provided, single submitter. Criteria: ACMG Guidelines, 2015. Collection method: clinical testing. Allele origin: germline.

Mayo Clinic Laboratories, Mayo Clinic
Classification: Benign. Last evaluated: 2022-12-20. Review status: criteria provided, single submitter. Criteria: ACMG Guidelines, 2015. Collection method: clinical testing. Allele origin: germline. Observed: 26 variant alleles.
Comment: BS1, BS2

Genome Diagnostics Laboratory, The Hospital for Sick Children
Classification: Benign for Atypical hemolytic-uremic syndrome. Last evaluated: 2022-10-05. Review status: criteria provided, single submitter. Criteria: ACMG Guidelines, 2015. Collection method: clinical testing. Allele origin: germline.

Eurofins Ntd Llc (ga)
Classification: Benign. Last evaluated: 2018-02-13. Review status: criteria provided, single submitter. Criteria: EGL ClinVar v180209 classification definitions. Collection method: clinical testing. Allele origin: germline. Observed: 1 variant allele, 1 heterozygote.

Illumina Laboratory Services, Illumina
Classification: Benign for Alport syndrome. Last evaluated: 2018-01-12. Review status: criteria provided, single submitter. Criteria: ICSL Variant Classification Criteria 13 December 2019. Collection method: clinical testing. Allele origin: germline.
Comment: This variant was observed in the ICSL laboratory as part of a predisposition screen in an ostensibly healthy population. It had not been previously curated by ICSL or reported in the Human Gene Mutation Database (HGMD: prior to June 1st, 2018), and was therefore a candidate for classification through an automated scoring system. Utilizing variant allele frequency, disease prevalence and penetrance estimates, and inheritance mode, an automated score was calculated to assess if this variant is too frequent to cause the disease. Based on the score and internal cut-off values, a variant classified as benign is not then subjected to further curation. The score for this variant resulted in a classification of benign for this disease.

GeneDx
Classification: Benign. Last evaluated: 2017-10-05. Review status: criteria provided, single submitter. Criteria: GeneDx Variant Classification (06012015). Collection method: clinical testing. Allele origin: germline. Affected: yes.
Comment: This variant is considered likely benign or benign based on one or more of the following criteria: it is a conservative change, it occurs at a poorly conserved position in the protein, it is predicted to be benign by multiple in silico algorithms, and/or has population frequency not consistent with disease.

Athena Diagnostics
Classification: Benign. Last evaluated: 2017-07-14. Review status: criteria provided, single submitter. Criteria: Athena Diagnostics Criteria. Collection method: clinical testing. Allele origin: germline.

Laboratory for Molecular Medicine, Mass General Brigham Personalized Medicine
Classification: Benign. Last evaluated: 2016-03-21. Review status: criteria provided, single submitter. Criteria: LMM Criteria. Collection method: clinical testing. Allele origin: germline. Observed: 18 variant alleles.
Comment: p.Gly545Ala in exon 23 of COL4A4: This variant is not expected to have clinical significance because it has been identified in 3.93% (2622/66738) of European ch romosomes by the Exome Aggregation Consortium (ExAC. org; dbSNP rs1800516).

Breakthrough Genomics
Classification: Benign. Review status: criteria provided, single submitter. Criteria: ACMG Guidelines, 2015. Collection method: not provided. Allele origin: germline. Inheritance: Autosomal recessive inheritance. Affected: yes.

PreventionGenetics, part of Exact Sciences
Classification: Benign. Review status: criteria provided, single submitter. Criteria: ACMG Guidelines, 2015. Collection method: clinical testing. Allele origin: germline.

Natera, Inc.
Classification: Benign for Alport syndrome. Last evaluated: 2020-09-16. Review status: no assertion criteria provided. Collection method: clinical testing. Allele origin: germline. Not counted in ClinVar's aggregate classification.

Literature cited by the submitters: PubMed 20029656 (cited by Mayo Clinic Laboratories, Mayo Clinic and Athena Diagnostics); PubMed 26809805 (cited by Mayo Clinic Laboratories, Mayo Clinic and Athena Diagnostics); PubMed 27884173 (cited by Mayo Clinic Laboratories, Mayo Clinic and Athena Diagnostics); PubMed 36514391 (cited by Mayo Clinic Laboratories, Mayo Clinic); PubMed 9792860 (cited by Eurofins Ntd Llc (ga) and Athena Diagnostics); PubMed 17216251 (cited by Athena Diagnostics); PubMed 11685592 (cited by Athena Diagnostics); PubMed 28059119 (cited by Athena Diagnostics); PubMed 11961012 (cited by Athena Diagnostics); PubMed 11134255 (cited by Athena Diagnostics); PubMed 17396119 (cited by Athena Diagnostics); PubMed 12028435 (cited by Athena Diagnostics); PubMed 19129241 (cited by Athena Diagnostics).

NM_000092.5(COL4A4):c.1634G>C (p.Gly545Ala)

Gene: COL4A4 (collagen type IV alpha 4 chain; minus strand). Cytogenetic location: 2q36.3.
Variant type: single nucleotide variant.
Coding change: c.1634G>C on transcript NM_000092.5 (MANE Select); coding-DNA position 1634, G replaced by C.
Protein change: p.Gly545Ala; replaces glycine 545 with alanine.
Molecular consequence: missense variant.
Genome position (GRCh38, 1-based): chr2:227,082,177, C>G on the plus strand (G>C on the coding strand, the complement: COL4A4 is on the minus strand). VCF-style: chr2-227082177-C-G. GRCh37 (hg19) VCF-style: chr2-227946893-C-G.
Other names: short protein forms G545A.
Identifiers: ClinVar variation 255015 (VCV000255015.27), dbSNP rs1800516, ClinGen allele CA2145106.